The following is an entry in ClinVar:

NM_006846.4(SPINK5):c.2375G>A (p.Ser792Asn)

Gene: SPINK5 (serine peptidase inhibitor Kazal type 5; plus strand). Cytogenetic location: 5q32.
Variant type: single nucleotide variant.
Coding change: c.2375G>A on transcript NM_006846.4 (MANE Select); coding-DNA position 2375, G replaced by A.
Protein change: p.Ser792Asn; replaces serine 792 with asparagine.
Molecular consequence: missense variant.
Genome position (GRCh38, 1-based): chr5:148,120,070, G>A. VCF-style: chr5-148120070-G-A. GRCh37 (hg19) VCF-style: chr5-147499633-G-A.
Other names: c.2375G>A, p.Ser792Asn (NM_001127698.2, NM_001127699.2); short protein forms S792N.
Identifiers: ClinVar variation 1497899 (VCV001497899.5), dbSNP rs2113193373, ClinGen allele CA361646248.
Genomic context (GRCh38, chr5:148,120,070, plus strand): 5'-ATACATGTGATGAGTTTAGAAGCCAAATGAAAAATGGAAAACTCATCTGCACTCGAGAAA[G>A]TGACCCTGTCCGGGGTCCAGATGGCAAGACACATGGCAATAAGTGTACTATGTGTAAGGA-3'
Protein context (NP_006837.2, residues 782-802): KNGKLICTRE[Ser792Asn]DPVRGPDGKT

ClinVar aggregate classification (germline): Uncertain significance (1 of 4 stars; one submission).

Conditions:
Netherton syndrome (NETH). Also called: NETHERTON DISEASE; ERYTHRODERMA, ICHTHYOSIFORM, WITH HYPOTRICHOSIS AND HYPER-IgE; COMEL-NETHERTON SYNDROME. Identifiers: Orphanet 634, MedGen C5574950, MONDO:0009735, OMIM 256500.

Submission:

Labcorp Genetics (formerly Invitae), Labcorp
Classification: Uncertain significance for Ichthyosis linearis circumflexa. Last evaluated: 2021-09-01. Review status: criteria provided, single submitter. Criteria: Invitae Variant Classification Sherloc (09022015). Collection method: clinical testing. Allele origin: germline.
Comment: This sequence change replaces serine with asparagine at codon 792 of the SPINK5 protein (p.Ser792Asn). The serine residue is highly conserved and there is a small physicochemical difference between serine and asparagine. This variant is not present in population databases (ExAC no frequency). This variant has not been reported in the literature in individuals affected with SPINK5-related conditions. Algorithms developed to predict the effect of missense changes on protein structure and function are either unavailable or do not agree on the potential impact of this missense change (SIFT: "Deleterious"; PolyPhen-2: "Benign"; Align-GVGD: "Class C0"). In summary, the available evidence is currently insufficient to determine the role of this variant in disease. Therefore, it has been classified as a Variant of Uncertain Significance.